The following is an entry in ClinVar:

ClinVar aggregate classification (germline): Uncertain significance (1 of 4 stars; one submission).

Conditions:
Neurodevelopmental disorder with or without variable brain abnormalities; NEDBA. Also called: NEURODEVELOPMENTAL DISORDER WITH OR WITHOUT VARIABLE BRAIN ABNORMALITIES. Identifiers: MedGen C5193102, MONDO:0032755, OMIM 618443.

Submission:

Illumina Laboratory Services, Illumina
Classification: Uncertain significance for Neurodevelopmental disorder with or without variable brain abnormalities; NEDBA. Last evaluated: 2021-05-17. Review status: criteria provided, single submitter. Criteria: ICSLVariantClassificationCriteria RUGD 01 April 2020. Collection method: clinical testing. Allele origin: unknown.
Comment: The MAPK8IP3 c.2250G>T (p.Lys750Asn) variant is a missense variant. A literature search was performed for the gene, cDNA change, and amino acid change. No publications were found based on this search. This variant is not found in the Genome Aggregation Database in a region of good sequence coverage, so the variant is presumed to be rare. Based on the limited evidence, the p.Lys750Asn variant is classified as a variant of uncertain significance for MAPK8IP3-related neurodevelopmental disorder.

NM_001318852.2(MAPK8IP3):c.2250G>T (p.Lys750Asn)

Gene: MAPK8IP3 (mitogen-activated protein kinase 8 interacting protein 3; plus strand). Cytogenetic location: 16p13.3.
Variant type: single nucleotide variant.
Coding change: c.2250G>T on transcript NM_001318852.2 (MANE Select); coding-DNA position 2250, G replaced by T.
Protein change: p.Lys750Asn; replaces lysine 750 with asparagine.
Molecular consequence: missense variant.
Genome position (GRCh38, 1-based): chr16:1,764,429, G>T. VCF-style: chr16-1764429-G-T. GRCh37 (hg19) VCF-style: chr16-1814430-G-T.
Other names: c.2229G>T, p.Lys743Asn (NM_001040439.2); c.2247G>T, p.Lys749Asn (NM_015133.5); short protein forms K743N, K749N, K750N.
Identifiers: ClinVar variation 1328531 (VCV001328531.4), dbSNP rs1005743990, ClinGen allele CA394233975.